The following is an entry in ClinVar:

NM_001130105.1(CERT1):c.3GCA[1] (p.Gln2del)

Genes: CERT1 (ceramide transporter 1; minus strand), POLK (DNA polymerase kappa; plus strand), LOC129994075 (ATAC-STARR-seq lymphoblastoid active region 22681; plus strand). Cytogenetic location: 5q13.3.
Variant type: Microsatellite.
Coding change: c.3GCA[1] on transcript NM_001130105.1; one copy of the 3-base unit GCA starting at c.3; the reference has two copies in a row; one copy, 3 bases deleted; also written c.6_8del.
Protein change: p.Gln2del; deletes glutamine 2.
Molecular consequence: inframe deletion, initiator codon variant.
Genome position (GRCh38, 1-based): chr5:75,511,837-75,511,839, TGC deleted on the plus strand (GCA on the coding strand, the reverse complement: CERT1 is on the minus strand); deleting any 3 consecutive bases within chr5:75,511,837-75,511,842 gives the same sequence; the position shown is the placement nearest the transcript's 3' end. VCF-style (leftmost placement, unchanged base first): chr5-75511836-GTGC-G. GRCh37 (hg19) VCF-style: chr5-74807661-GTGC-G.
Other names: c.6_8del (NM_001130105.1); c.-91_-89TGC[1] (NM_016218.3); short protein forms Q2del.
Identifiers: ClinVar variation 2573778 (VCV002573778.2), dbSNP rs2479456082, ClinGen allele CA444684231.

ClinVar aggregate classification (germline): Uncertain significance (1 of 4 stars; one submission).

Submission:

GeneDx
Classification: Uncertain significance. Last evaluated: 2023-01-18. Review status: criteria provided, single submitter. Criteria: GeneDx Variant Classification Process June 2021. Collection method: clinical testing. Allele origin: germline. Affected: yes.
Comment: In-frame deletion of 1 amino acid in a non-repeat region; Not observed at significant frequency in large population cohorts (gnomAD); In silico analysis supports that this variant does not alter protein structure/function; Has not been previously published as pathogenic or benign to our knowledge